The following is an entry in ClinVar:

NM_020297.4(ABCC9):c.3409G>A (p.Val1137Ile)

Gene: ABCC9 (ATP binding cassette subfamily C member 9; minus strand). Cytogenetic location: 12p12.1.
Variant type: single nucleotide variant.
Coding change: c.3409G>A on transcript NM_020297.4 (MANE Select); coding-DNA position 3409, G replaced by A.
Protein change: p.Val1137Ile; replaces valine 1137 with isoleucine.
Molecular consequence: missense variant.
Genome position (GRCh38, 1-based): chr12:21,842,378, C>T on the plus strand (G>A on the coding strand, the complement: ABCC9 is on the minus strand). VCF-style: chr12-21842378-C-T. GRCh37 (hg19) VCF-style: chr12-21995312-C-T.
Other names: p.V1137I:GTT>ATT; c.3409G>A, p.Val1137Ile (NM_001377273.1, NM_005691.4); c.2542G>A, p.Val848Ile (NM_001377274.1); short protein forms V1137I, V848I.
Identifiers: ClinVar variation 45409 (VCV000045409.50), dbSNP rs147895473, ClinGen allele CA282549.

ClinVar aggregate classification (germline): Benign/Likely benign. Review status: criteria provided, multiple submitters, no conflicts (2 of 4 stars). 17 submissions from 16 submitters: Benign (11); Likely benign (2). 4 of the submissions do not count toward it. Last evaluated 2026-04-01.

Conditions:
Hypertrichotic osteochondrodysplasia Cantu type. Also called: Cantu Syndrome; Cantú Syndrome. Identifiers: Orphanet 1517, MedGen C0795905, MONDO:0009406, OMIM 239850.
Cardiomyopathy (CMYO). Also called: Cardiomyopathies. Identifiers: Orphanet 167848, MedGen C0878544, MONDO:0004994, HP:0001638. Inheritance: Various modes of inheritance.
Dilated cardiomyopathy 1O (CMD1O). Also called: CARDIOMYOPATHY, DILATED, WITH VENTRICULAR TACHYCARDIA. Identifiers: Orphanet 154, MedGen C1837839, MONDO:0012062, OMIM 608569.

Allele frequency attached by ClinVar (database versions not stated): gnomAD exomes 0.00070 and 0.00188; ExAC 0.00223; 1000 Genomes Project 0.00499; 1000 Genomes Project 30x 0.00547; gnomAD 0.00676 and 0.00739; TOPMed 0.00766; ESP Exome Variant Server 0.00823.
gnomAD v4.1: 2,099 of 1,614,012 alleles (0.13%); highest among the groups gnomAD compares: African/African-American, 2.3%; 31 homozygotes.

Submissions (17):

CeGaT Center for Human Genetics Tuebingen
Classification: Benign. Last evaluated: 2026-04-01. Review status: criteria provided, single submitter. Criteria: CeGaT Center For Human Genetics Tuebingen Variant Classification Criteria Version 2. Collection method: clinical testing. Allele origin: germline. Affected: yes. Observed: 3 variant alleles.
Comment: ABCC9: PP2, BP4, BS1, BS2

Labcorp Genetics (formerly Invitae), Labcorp
Classification: Benign for Dilated cardiomyopathy 1O. Last evaluated: 2026-02-03. Review status: criteria provided, single submitter. Criteria: Invitae Variant Classification Sherloc (09022015). Collection method: clinical testing. Allele origin: germline.

Mayo Clinic Laboratories, Mayo Clinic
Classification: Benign. Last evaluated: 2025-06-10. Review status: criteria provided, single submitter. Criteria: ACMG Guidelines, 2015. Collection method: clinical testing. Allele origin: germline. Observed: 10 variant alleles.
Comment: BS1, BS2, BP4

ARUP Laboratories, Molecular Genetics and Genomics, ARUP Laboratories
Classification: Benign. Last evaluated: 2023-11-06. Review status: criteria provided, single submitter. Criteria: ARUP Molecular Germline Variant Investigation Process 2024. Collection method: clinical testing. Allele origin: germline.

Mendelics
Classification: Benign for Dilated cardiomyopathy 1O. Last evaluated: 2019-05-28. Review status: criteria provided, single submitter. Criteria: Mendelics Assertion Criteria 2017. Collection method: clinical testing. Allele origin: unknown.

GeneDx
Classification: Benign. Last evaluated: 2018-11-28. Review status: criteria provided, single submitter. Criteria: GeneDx Variant Classification Process June 2021. Collection method: clinical testing. Allele origin: germline. Affected: yes.
Comment: This variant is associated with the following publications: (PMID: 24439875)

Laboratory for Molecular Medicine, Mass General Brigham Personalized Medicine
Classification: Benign. Last evaluated: 2018-06-04. Review status: criteria provided, single submitter. Criteria: LMM Criteria. Collection method: clinical testing. Allele origin: germline. Observed: 19 variant alleles.
Comment: The p.Val1137Ile variant in ABCC9 is classified as benign because it has been id entified in 2.4% (577/24024) of African American by the Genome Aggregation Datab ase (gnomAD; dbSNP rs147895473. ACMG/AMP Crite ria Applied: BA1.

Illumina Laboratory Services, Illumina
Classification: Likely benign for Dilated cardiomyopathy 1O. Last evaluated: 2017-04-27. Review status: criteria provided, single submitter. Criteria: ICSL Variant Classification Criteria 13 December 2019. Collection method: clinical testing. Allele origin: germline.
Comment: This variant was observed as part of a predisposition screen in an ostensibly healthy population. A literature search was performed for the gene, cDNA change, and amino acid change (where applicable). Publications were found based on this search. The evidence from the literature, in combination with allele frequency data from public databases where available, was sufficient to determine this variant is unlikely to cause disease. Therefore, this variant is classified as likely benign.

Illumina Laboratory Services, Illumina
Classification: Benign for Hypertrichotic osteochondrodysplasia Cantu type. Last evaluated: 2017-04-27. Review status: criteria provided, single submitter. Criteria: ICSL Variant Classification Criteria 13 December 2019. Collection method: clinical testing. Allele origin: germline.
Comment: This variant was observed as part of a predisposition screen in an ostensibly healthy population. A literature search was performed for the gene, cDNA change, and amino acid change (where applicable). No publications were found based on this search. Allele frequency data from public databases was too high to be consistent with this variant causing disease. Therefore, this variant is classified as benign.

CHEO Genetics Diagnostic Laboratory, Children's Hospital of Eastern Ontario
Classification: Benign for Cardiomyopathy. Last evaluated: 2015-09-17. Review status: criteria provided, single submitter. Criteria: ACMG Guidelines, 2015. Collection method: clinical testing. Allele origin: germline. Study: Canadian Open Genetics Repository.

Eurofins Ntd Llc (ga)
Classification: Benign. Last evaluated: 2015-07-14. Review status: criteria provided, single submitter. Criteria: EGL Classification Definitions 2015. Collection method: clinical testing. Allele origin: germline. Observed: 1 variant allele, 1 heterozygote.

Biesecker Lab/Clinical Genomics Section, National Institutes of Health
Classification: Benign. Last evaluated: 2013-06-24. Review status: criteria provided, single submitter. Criteria: Ng et al. (Circ Cardiovasc Genet. 2013). Collection method: research. Allele origin: unknown. Observed: 1 variant allele. Study: ClinSeq.
Comment: The study set was not selected for affection status in relation to any cancer. Pathogenicity categories were based on literature curation. See Pubmed ID:23861362 for details.

Medical sequencing

Breakthrough Genomics
Classification: Likely benign. Review status: criteria provided, single submitter. Criteria: ACMG Guidelines, 2015. Collection method: not provided. Allele origin: germline. Inheritance: Autosomal recessive inheritance. Affected: yes.

Clinical Genetics DNA and cytogenetics Diagnostics Lab, Erasmus MC, Erasmus Medical Center
Classification: Benign. Review status: no assertion criteria provided. Collection method: clinical testing. Allele origin: germline. Affected: yes. Study: VKGL Data-share Consensus. Not counted in ClinVar's aggregate classification.

Clinical Genetics, Academic Medical Center
Classification: Benign. Review status: no assertion criteria provided. Collection method: clinical testing. Allele origin: germline. Affected: yes. Study: VKGL Data-share Consensus. Not counted in ClinVar's aggregate classification.

Genome Diagnostics Laboratory, University Medical Center Utrecht
Classification: Benign. Review status: no assertion criteria provided. Collection method: clinical testing. Allele origin: germline. Affected: yes. Study: VKGL Data-share Consensus. Not counted in ClinVar's aggregate classification.

Laboratory of Diagnostic Genome Analysis, Leiden University Medical Center (LUMC)
Classification: Likely benign. Review status: no assertion criteria provided. Collection method: clinical testing. Allele origin: germline. Affected: yes. Study: VKGL Data-share Consensus. Not counted in ClinVar's aggregate classification.

Literature cited by the submitters: PubMed 20474083 (cited by Laboratory for Molecular Medicine, Mass General Brigham Personalized Medicine and Illumina Laboratory Services, Illumina).